The following is an entry in ClinVar:

ClinVar aggregate classification (germline): Conflicting classifications of pathogenicity. Review status: criteria provided, conflicting classifications (1 of 4 stars). 4 submissions from 4 submitters: Uncertain significance (1); Likely benign (1). 2 of the submissions do not count toward it. Last evaluated 2026-01-11.

Conditions:
Disorders of Intracellular Cobalamin Metabolism. Identifiers: MedGen CN043592.
Methylcobalamin deficiency type cblE (HMAE). Also called: VITAMIN B12-RESPONSIVE HOMOCYSTINURIA, cblE TYPE; HOMOCYSTINURIA-MEGALOBLASTIC ANEMIA, cblE TYPE; HOMOCYSTINURIA-MEGALOBLASTIC ANEMIA, cblE COMPLEMENTATION TYPE. Identifiers: Orphanet 2169, Orphanet 622, MedGen C1856057, MONDO:0009354, OMIM 236270.
MTRR-related disorder. Also called: MTRR-related condition.

Allele frequency attached by ClinVar (database versions not stated): TOPMed 0.00002; gnomAD 0.00004 and 0.00013; gnomAD exomes 0.00006 and 0.00026; ExAC 0.00008; ESP Exome Variant Server 0.00008; 1000 Genomes Project 30x 0.00062; 1000 Genomes Project 0.00080.
gnomAD v4.1: 389 of 1,614,220 alleles (0.024%); highest among the groups gnomAD compares: East Asian, 0.82%; 5 homozygotes.

Submissions (4):

Labcorp Genetics (formerly Invitae), Labcorp
Classification: Likely benign for Methylcobalamin deficiency type cblE. Last evaluated: 2026-01-11. Review status: criteria provided, single submitter. Criteria: Invitae Variant Classification Sherloc (09022015). Collection method: clinical testing. Allele origin: germline.

Illumina Laboratory Services, Illumina
Classification: Uncertain significance for Disorders of Intracellular Cobalamin Metabolism. Last evaluated: 2018-01-12. Review status: criteria provided, single submitter. Criteria: ICSL Variant Classification Criteria 13 December 2019. Collection method: clinical testing. Allele origin: germline.

Natera, Inc.
Classification: Likely benign for CblE complementation type homocystinuria-megaloblastic anemia due to defect in cobalamin metabolism. Last evaluated: 2020-09-16. Review status: no assertion criteria provided. Collection method: clinical testing. Allele origin: germline. Not counted in ClinVar's aggregate classification.

PreventionGenetics, part of Exact Sciences
Classification: Likely benign for MTRR-related condition. Last evaluated: 2019-09-05. Review status: no assertion criteria provided. Collection method: clinical testing. Allele origin: germline. Not counted in ClinVar's aggregate classification.
Comment: This variant is classified as likely benign based on ACMG/AMP sequence variant interpretation guidelines (Richards et al. 2015 PMID: 25741868, with internal and published modifications).

NM_002454.3(MTRR):c.27T>C (p.Ala9=)

Gene: MTRR (5-methyltetrahydrofolate-homocysteine methyltransferase reductase; plus strand). Cytogenetic location: 5p15.31.
Variant type: single nucleotide variant.
Coding change: c.27T>C on transcript NM_002454.3 (MANE Select); coding-DNA position 27, T replaced by C.
Protein change: p.Ala9=; no amino-acid change (alanine 9 retained).
Molecular consequence: synonymous variant. On other transcripts: non-coding transcript variant (14).
Genome position (GRCh38, 1-based): chr5:7,870,821, T>C. VCF-style: chr5-7870821-T-C. GRCh37 (hg19) VCF-style: chr5-7870934-T-C.
Other names: c.27T>C, p.Ala9= (NM_001364440.2, NM_001364441.2, NM_001364442.2 and 1 more transcripts).
Identifiers: ClinVar variation 764651 (VCV000764651.16), dbSNP rs114748706, ClinGen allele CA3195458.